The following is an entry in ClinVar:

ClinVar aggregate classification (germline): Pathogenic (1 of 4 stars; one submission).

Submission:

GeneDx
Classification: Pathogenic. Last evaluated: 2020-08-18. Review status: criteria provided, single submitter. Criteria: GeneDx Variant Classification Process June 2021. Collection method: clinical testing. Allele origin: germline. Affected: yes.
Comment: Not observed in large population cohorts (Lek et al., 2016); Missense variants in this gene are often considered pathogenic (Stenson et al., 2014); In silico analysis supports that this missense variant has a deleterious effect on protein structure/function; Has not been previously published as pathogenic or benign to our knowledge; This variant is associated with the following publications: (PMID: 29655203)

NM_001330260.2(SCN8A):c.2525T>A (p.Val842Glu)

Gene: SCN8A (sodium voltage-gated channel alpha subunit 8; plus strand). Cytogenetic location: 12q13.13.
Variant type: single nucleotide variant.
Coding change: c.2525T>A on transcript NM_001330260.2 (MANE Select); coding-DNA position 2525, T replaced by A.
Protein change: p.Val842Glu; replaces valine 842 with glutamic acid.
Molecular consequence: missense variant.
Genome position (GRCh38, 1-based): chr12:51,762,657, T>A. VCF-style: chr12-51762657-T-A. GRCh37 (hg19) VCF-style: chr12-52156441-T-A.
Other names: c.2525T>A, p.Val842Glu (NM_001177984.3, NM_001369788.1, NM_014191.4); short protein forms V842E.
Identifiers: ClinVar variation 427069 (VCV000427069.3), dbSNP rs1085307940, ClinGen allele CA384884736.